The following is an entry in ClinVar:

NM_001278116.2(L1CAM):c.892C>G (p.Gln298Glu)

Gene: L1CAM (L1 cell adhesion molecule; minus strand). Cytogenetic location: Xq28.
Variant type: single nucleotide variant.
Coding change: c.892C>G on transcript NM_001278116.2 (MANE Select); coding-DNA position 892, C replaced by G.
Protein change: p.Gln298Glu; replaces glutamine 298 with glutamic acid.
Molecular consequence: missense variant.
Genome position (GRCh38, 1-based): chrX:153,870,155, G>C on the plus strand (C>G on the coding strand, the complement: L1CAM is on the minus strand). VCF-style: chrX-153870155-G-C. GRCh37 (hg19) VCF-style: chrX-153135610-G-C.
Other names: c.892C>G, p.Gln298Glu (NM_000425.5, NM_024003.3); c.892C>G (NM_000425.3); c.877C>G, p.Gln293Glu (NM_001143963.2); short protein forms Q293E, Q298E.
Identifiers: ClinVar variation 2634619 (VCV002634619.6), dbSNP rs202074293, ClinGen allele CA337263385.
Genomic context (GRCh38, chrX:153,870,155, plus strand): 5'-GTGAGTTCTCGGCCAGGCAGCGGTACTCGCCATCATCCTCCTCGCCCACTTTCAGCAGCT[G>C]CAGGGTCTTGTTGTGGTTCTGGTAGGTGACACGGTCGGCTGGCATGGGGCCACTGGGGCG-3'
Protein context (NP_001265045.1, residues 288-308): VTYQNHNKTL[Gln298Glu]LLKVGEEDDG

ClinVar aggregate classification (germline): Conflicting classifications of pathogenicity. Review status: criteria provided, conflicting classifications (1 of 4 stars). 4 submissions from 4 submitters: Uncertain significance (3); Likely benign (1). Last evaluated 2024-02-28.

Conditions:
L1CAM-related disorder. Also called: L1CAM-related condition.
MASA syndrome. Also called: ADDUCTED THUMB WITH MENTAL RETARDATION; CLASPED THUMB AND MENTAL RETARDATION; GAREIS-MASON SYNDROME; MENTAL RETARDATION, APHASIA, SHUFFLING GAIT, AND ADDUCTED THUMBS; MASA Syndrome (Mental Retardation, Adducted Thumbs, Shuffling Gait, and Aphasia); MASA (Mental Retardation, Adducted Thumbs, Shuffling Gait, Aphasia) Syndrome, Including SPG1 (X-Linked Complicated Hereditary Spastic Paraplegia Type 1). Identifiers: Orphanet 2466, MedGen C0795953, MONDO:0010559, OMIM 303350.
X-linked hydrocephalus syndrome (HYCX). Also called: X-Linked Hydrocephalus with Stenosis of the Aqueduct of Sylvius; X-Linked Hydrocephalus with Stenosis of the Aqueduct of Sylvius (HSAS); HYDROCEPHALUS, CONGENITAL, X-LINKED; AQUEDUCTAL STENOSIS, X-LINKED; X-linked hydrocephalus. Identifiers: Orphanet 2182, MedGen C0265216, MONDO:0010611, OMIM 307000.
X-linked complicated corpus callosum dysgenesis. Also called: X-Linked Complicated Corpus Callosum Agenesis. Identifiers: Orphanet 1497, MedGen C1839909, MONDO:0010569, OMIM 304100.
Spastic paraplegia. Identifiers: MedGen C0037772, HP:0001258.
Inborn genetic diseases. Identifiers: MedGen C0950123, MeSH D030342.

Allele frequency attached by ClinVar (database versions not stated): TOPMed 0.00001; gnomAD 0.00002; gnomAD exomes 0.00003.
gnomAD v4.1: 16 of 1,210,670 alleles (0.0013%); highest among the groups gnomAD compares: Non-Finnish European, 0.0017%; no homozygotes.

Submissions (4):

Ambry Genetics
Classification: Uncertain significance for Inborn genetic diseases. Last evaluated: 2024-02-28. Review status: criteria provided, single submitter. Criteria: Ambry Variant Classification Scheme 2023. Collection method: clinical testing. Allele origin: germline.

Labcorp Genetics (formerly Invitae), Labcorp
Classification: Likely benign for Spastic paraplegia. Last evaluated: 2023-12-10. Review status: criteria provided, single submitter. Criteria: Invitae Variant Classification Sherloc (09022015). Collection method: clinical testing. Allele origin: germline.

PreventionGenetics, part of Exact Sciences
Classification: Uncertain significance for L1CAM-related condition. Last evaluated: 2022-12-11. Review status: criteria provided, single submitter. Criteria: ACMG Guidelines, 2015. Collection method: clinical testing. Allele origin: germline.
Comment: The L1CAM c.892C>G variant is predicted to result in the amino acid substitution p.Gln298Glu. To our knowledge, this variant has not been reported in the literature. This variant is reported in 0.0043% of alleles in individuals of European (Non-Finnish) descent in gnomAD. At this time, the clinical significance of this variant is uncertain due to the absence of conclusive functional and genetic evidence.

Department of Pathology and Laboratory Medicine, Sinai Health System
Classification: Uncertain significance for MASA syndrome; X-linked complicated corpus callosum dysgenesis; X-linked hydrocephalus syndrome. Last evaluated: 2022-02-08. Review status: criteria provided, single submitter. Criteria: ACMG Guidelines, 2015. Collection method: research. Allele origin: germline.